The following is an entry in ClinVar:

ClinVar aggregate classification (germline): Uncertain significance (1 of 4 stars; one submission).

Conditions:
Familial sleep-related hypermotor epilepsy. Also called: Autosomal Dominant Sleep-Related Hypermotor (Hyperkinetic) Epilepsy. Identifiers: Orphanet 98784, MedGen C3696898, MONDO:0000030.

Submission:

Labcorp Genetics (formerly Invitae), Labcorp
Classification: Uncertain significance. Last evaluated: 2020-08-06. Review status: criteria provided, single submitter. Criteria: Invitae Variant Classification Sherloc (09022015). Collection method: clinical testing. Allele origin: germline.
Comment: This variant results in a copy number gain of the genomic region encompassing the full coding sequence of the CHRNA2 gene. The boundaries of this event are unknown as they extend beyond the assayed region for this gene and therefore may encompass additional genes. As the precise location of this event is unknown, it may be in tandem or it may be located elsewhere in the genome. This variant has not been reported in the literature in individuals with CHRNA2-related conditions. In summary, the available evidence is currently insufficient to determine the role of this variant in disease. Therefore, it has been classified as a Variant of Uncertain Significance.

NC_000008.10:g.(?_27319126)_(27328595_?)dup

Gene: CHRNA2 (cholinergic receptor nicotinic alpha 2 subunit; minus strand). Cytogenetic location: 8p21.2.
Variant type: Duplication.
Identifiers: ClinVar variation 999128 (VCV000999128.1).